The following is an entry in ClinVar:

ClinVar aggregate classification (germline): Uncertain significance. Review status: criteria provided, multiple submitters, no conflicts (2 of 4 stars). 2 submissions from 2 submitters: Uncertain significance (2). Last evaluated 2024-07-25.

Conditions:
Congenital cataract-microcephaly-nevus flammeus simplex-severe intellectual disability syndrome. Also called: Basel-Vanagaite-Smirin-Yosef syndrome. Identifiers: Orphanet 464738, MedGen C4225323, MONDO:0014643, OMIM 616449.
Charcot-Marie-Tooth disease type 2. Also called: Charcot-Marie-Tooth type 2. Identifiers: Orphanet 64746, MedGen C0270914, MONDO:0018993.

Allele frequency attached by ClinVar (database versions not stated): ExAC 0.00001; gnomAD exomes 0.00001.
gnomAD v4.1: 10 of 1,610,446 alleles (0.00062%); highest among the groups gnomAD compares: Admixed American, 0.0034%; no homozygotes.

Submissions (2):

ARUP Laboratories, Molecular Genetics and Genomics, ARUP Laboratories
Classification: Uncertain significance for Congenital cataract-microcephaly-nevus flammeus simplex-severe intellectual disability syndrome. Last evaluated: 2024-07-25. Review status: criteria provided, single submitter. Criteria: ARUP Molecular Germline Variant Investigation Process 2024. Collection method: clinical testing. Allele origin: germline.
Comment: The MED25 c.575G>A; p.Arg192Gln variant (rs753164820), to our knowledge, is not reported in the medical literature but is reported in ClinVar (Variation ID: 1967670). This variant is only found on one allele in the Genome Aggregation Database (v2.1.1), indicating it is not a common polymorphism. Computational analyses are uncertain whether this variant is neutral or deleterious (REVEL: 0.286). Due to limited information, the clinical significance of this variant is uncertain at this time.

Labcorp Genetics (formerly Invitae), Labcorp
Classification: Uncertain significance for Charcot-Marie-Tooth disease type 2. Last evaluated: 2022-05-25. Review status: criteria provided, single submitter. Criteria: Invitae Variant Classification Sherloc (09022015). Collection method: clinical testing. Allele origin: germline.
Comment: This sequence change replaces arginine, which is basic and polar, with glutamine, which is neutral and polar, at codon 192 of the MED25 protein (p.Arg192Gln). The frequency data for this variant in the population databases is considered unreliable, as metrics indicate poor data quality at this position in the gnomAD database. This variant has not been reported in the literature in individuals affected with MED25-related conditions. Algorithms developed to predict the effect of missense changes on protein structure and function are either unavailable or do not agree on the potential impact of this missense change (SIFT: "Tolerated"; PolyPhen-2: "Probably Damaging"; Align-GVGD: "Class C0"). In summary, the available evidence is currently insufficient to determine the role of this variant in disease. Therefore, it has been classified as a Variant of Uncertain Significance.

NM_030973.4(MED25):c.575G>A (p.Arg192Gln)

Gene: MED25 (mediator complex subunit 25; plus strand). Cytogenetic location: 19q13.33.
Variant type: single nucleotide variant.
Coding change: c.575G>A on transcript NM_030973.4 (MANE Select); coding-DNA position 575, G replaced by A.
Protein change: p.Arg192Gln; replaces arginine 192 with glutamine.
Molecular consequence: missense variant.
Genome position (GRCh38, 1-based): chr19:49,829,835, G>A. VCF-style: chr19-49829835-G-A. GRCh37 (hg19) VCF-style: chr19-50333092-G-A.
Other names: c.575G>A, p.Arg192Gln (NM_001378355.1); short protein forms R192Q.
Identifiers: ClinVar variation 1967670 (VCV001967670.3), dbSNP rs753164820, ClinGen allele CA9584919.
Genomic context (GRCh38, chr19:49,829,835, plus strand): 5'-CTCTCCTACAGCGGGGGATCCACTTCTCCATTGTGTCTCCCCGGAAGCTGCCTGCGCTTC[G>A]GCTTCTGTTTGAGAAGGCAGCCCCCCCGGCCTTGCTGGAGCCGCTGCAGCCTCCGACAGA-3'
Protein context (NP_112235.2, residues 182-202): IVSPRKLPAL[Arg192Gln]LLFEKAAPPA